The following is an entry in ClinVar:

NM_024589.3(ROGDI):c.278G>A (p.Arg93Gln)

Gene: ROGDI (rogdi atypical leucine zipper; minus strand). Cytogenetic location: 16p13.3.
Variant type: single nucleotide variant.
Coding change: c.278G>A on transcript NM_024589.3 (MANE Select); coding-DNA position 278, G replaced by A.
Protein change: p.Arg93Gln; replaces arginine 93 with glutamine.
Molecular consequence: missense variant. On other transcripts: non-coding transcript variant (1).
Genome position (GRCh38, 1-based): chr16:4,800,556, C>T on the plus strand (G>A on the coding strand, the complement: ROGDI is on the minus strand). VCF-style: chr16-4800556-C-T. GRCh37 (hg19) VCF-style: chr16-4850557-C-T.
Other names: c.278G>A (NM_024589.1); short protein forms R93Q.
Identifiers: ClinVar variation 2122832 (VCV002122832.6), dbSNP rs865861514, ClinGen allele CA394654277.

ClinVar aggregate classification (germline): Uncertain significance. Review status: criteria provided, multiple submitters, no conflicts (2 of 4 stars). 2 submissions from 2 submitters: Uncertain significance (2). Last evaluated 2023-06-05.

Conditions:
Amelocerebrohypohidrotic syndrome (KTZS). Also called: KOHLSCHUTTER SYNDROME; EPILEPSY AND YELLOW TEETH; EPILEPSY, DEMENTIA, AND AMELOGENESIS IMPERFECTA; Kohlschutter's syndrome. Identifiers: Orphanet 1946, MedGen C0406740, MONDO:0009185, OMIM 226750.
Inborn genetic diseases. Identifiers: MedGen C0950123, MeSH D030342.

gnomAD v4.1: 16 of 1,568,408 alleles (0.001%); highest among the groups gnomAD compares: South Asian, 0.0047%; no homozygotes.

Submissions (2):

Ambry Genetics
Classification: Uncertain significance for Inborn genetic diseases. Last evaluated: 2023-06-05. Review status: criteria provided, single submitter. Criteria: Ambry Variant Classification Scheme 2023. Collection method: clinical testing. Allele origin: germline.

Labcorp Genetics (formerly Invitae), Labcorp
Classification: Uncertain significance for Amelocerebrohypohidrotic syndrome. Last evaluated: 2022-04-05. Review status: criteria provided, single submitter. Criteria: Invitae Variant Classification Sherloc (09022015). Collection method: clinical testing. Allele origin: germline.
Comment: This sequence change replaces arginine, which is basic and polar, with glutamine, which is neutral and polar, at codon 93 of the ROGDI protein (p.Arg93Gln). The frequency data for this variant in the population databases is considered unreliable, as metrics indicate poor data quality at this position in the gnomAD database. In summary, the available evidence is currently insufficient to determine the role of this variant in disease. Therefore, it has been classified as a Variant of Uncertain Significance. Algorithms developed to predict the effect of missense changes on protein structure and function are either unavailable or do not agree on the potential impact of this missense change (SIFT: "Tolerated"; PolyPhen-2: "Possibly Damaging"; Align-GVGD: "Class C0"). This variant has not been reported in the literature in individuals affected with ROGDI-related conditions.